The following is an entry in ClinVar:

ClinVar aggregate classification (germline): Conflicting classifications of pathogenicity. Review status: criteria provided, conflicting classifications (1 of 4 stars). 3 submissions from 3 submitters: Pathogenic (1); Likely pathogenic (1); Uncertain significance (1). Last evaluated 2023-08-25.

Conditions:
Muscular dystrophy-dystroglycanopathy (congenital with brain and eye anomalies), type A, 7. Also called: WALKER-WARBURG SYNDROME OR MUSCLE-EYE-BRAIN DISEASE, ISPD-RELATED; Congenital muscular dystrophy-dystroglycanopathy with brain and eye anomalies, type A7. Identifiers: Orphanet 899, MedGen C3553330, MONDO:0013835, OMIM 614643.
Autosomal recessive limb-girdle muscular dystrophy type 2U. Also called: Muscular dystrophy-dystroglycanopathy (limb-girdle), type c, 7; MUSCULAR DYSTROPHY, LIMB-GIRDLE, TYPE 2U. Identifiers: Orphanet 352479, MedGen C5190987, MONDO:0014474, OMIM 616052.

gnomAD v4.1: 1 of 1,527,814 alleles (0.000065%); highest among the groups gnomAD compares: Non-Finnish European, 0.000089%; no homozygotes.

Submissions (3):

Department of Pathology and Laboratory Medicine, Sinai Health System
Classification: Likely pathogenic for Muscular dystrophy-dystroglycanopathy (congenital with brain and eye anomalies), type A, 7; Autosomal recessive limb-girdle muscular dystrophy type 2U. Last evaluated: 2023-08-25. Review status: criteria provided, single submitter. Criteria: ACMG Guidelines, 2015. Collection method: research. Allele origin: germline.

Labcorp Genetics (formerly Invitae), Labcorp
Classification: Uncertain significance for Muscular dystrophy-dystroglycanopathy (congenital with brain and eye anomalies), type A, 7; Autosomal recessive limb-girdle muscular dystrophy type 2U. Last evaluated: 2022-01-17. Review status: criteria provided, single submitter. Criteria: Invitae Variant Classification Sherloc (09022015). Collection method: clinical testing. Allele origin: germline.
Comment: This protein extension has been observed in individual(s) with clinical features of muscular dystrophy-dystroglycanopathy (PMID: 22522420, 28973083). This variant is not present in population databases (gnomAD no frequency). This sequence change disrupts the translational stop signal of the ISPD mRNA. It is expected to extend the length of the ISPD protein by 28 additional amino acid residues. ClinVar contains an entry for this variant (Variation ID: 872213). In summary, the available evidence is currently insufficient to determine the role of this variant in disease. Therefore, it has been classified as a Variant of Uncertain Significance. Experimental studies and prediction algorithms are not available or were not evaluated, and the functional significance of this variant is currently unknown.

CeGaT Center for Human Genetics Tuebingen
Classification: Pathogenic. Last evaluated: 2019-04-01. Review status: criteria provided, single submitter. Criteria: CeGaT Center For Human Genetics Tuebingen Variant Classification Criteria Version 2. Collection method: clinical testing. Allele origin: germline. Affected: yes. Observed: 1 variant allele.

Literature cited by the submitters: PubMed 22522420 (cited by Labcorp Genetics (formerly Invitae), Labcorp); PubMed 28973083 (cited by Labcorp Genetics (formerly Invitae), Labcorp).

NM_001101426.4(CRPPA):c.1354T>C (p.Ter452Arg)

Gene: CRPPA (CDP-L-ribitol pyrophosphorylase A; minus strand). Cytogenetic location: 7p21.2.
Variant type: single nucleotide variant.
Coding change: c.1354T>C on transcript NM_001101426.4 (MANE Select); coding-DNA position 1354, T replaced by C.
Protein change: p.Ter452Arg.
Molecular consequence: stop lost. On other transcripts: non-coding transcript variant (1).
Genome position (GRCh38, 1-based): chr7:16,091,697, A>G on the plus strand (T>C on the coding strand, the complement: CRPPA is on the minus strand). VCF-style: chr7-16091697-A-G. GRCh37 (hg19) VCF-style: chr7-16131322-A-G.
Other names: c.1204T>C, p.Ter402Arg (NM_001101417.4); c.1249T>C, p.Ter417Arg (NM_001368197.1).
Identifiers: ClinVar variation 872213 (VCV000872213.50), dbSNP rs186882839, ClinGen allele CA367000232.
Genomic context (GRCh38, chr7:16,091,697, plus strand): 5'-AAGCACAATTAAGATACGCAAATAGATGTTTTAGAAAATAGGTAATTTTTTGTGTTCTTC[A>G]TGCTATCAGAAGCTGACCAATGAGTCCAGAATTTCTTTCCTTGATTAATGAAGCAATAAT-3'